The following is an entry in ClinVar:

ClinVar aggregate classification (germline): Uncertain significance. Review status: criteria provided, multiple submitters, no conflicts (2 of 4 stars). 2 submissions from 2 submitters: Uncertain significance (2). Last evaluated 2025-10-29.

Conditions:
Candidiasis, familial, 9 (CANDF9). Identifiers: Orphanet 1334, MedGen C4225324, MONDO:0014642, OMIM 616445.

Allele frequency attached by ClinVar (database versions not stated): gnomAD 0.00001; TOPMed 0.00001; gnomAD exomes 0.00002.
gnomAD v4.1: 25 of 1,613,544 alleles (0.0015%); highest among the groups gnomAD compares: Non-Finnish European, 0.0021%; no homozygotes.

Submissions (2):

Labcorp Genetics (formerly Invitae), Labcorp
Classification: Uncertain significance for Candidiasis, familial, 9. Last evaluated: 2025-10-29. Review status: criteria provided, single submitter. Criteria: Invitae Variant Classification Sherloc (09022015). Collection method: clinical testing. Allele origin: germline.
Comment: This sequence change replaces leucine, which is neutral and non-polar, with valine, which is neutral and non-polar, at codon 219 of the IL17RC protein (p.Leu219Val). This variant is not present in population databases (gnomAD no frequency). This variant has not been reported in the literature in individuals affected with IL17RC-related conditions. ClinVar contains an entry for this variant (Variation ID: 2170648). An algorithm developed to predict the effect of missense changes on protein structure and function (PolyPhen-2) suggests that this variant is likely to be tolerated. In summary, the available evidence is currently insufficient to determine the role of this variant in disease. Therefore, it has been classified as a Variant of Uncertain Significance.

Ambry Genetics
Classification: Uncertain significance. Last evaluated: 2025-01-08. Review status: criteria provided, single submitter. Criteria: Ambry Variant Classification Scheme 2023. Collection method: clinical testing. Allele origin: germline.

NM_153460.4(IL17RC):c.442C>G (p.Leu148Val)

Gene: IL17RC (interleukin 17 receptor C; plus strand). Cytogenetic location: 3p25.3.
Variant type: single nucleotide variant.
Coding change: c.442C>G on transcript NM_153460.4 (MANE Select); coding-DNA position 442, C replaced by G.
Protein change: p.Leu148Val; replaces leucine 148 with valine.
Molecular consequence: missense variant. On other transcripts: non-coding transcript variant (1).
Genome position (GRCh38, 1-based): chr3:9,918,586, C>G. VCF-style: chr3-9918586-C-G. GRCh37 (hg19) VCF-style: chr3-9960270-C-G.
Other names: c.655C>G (NM_153461.3); c.442C>G, p.Leu148Val (NM_001203263.2, NM_001203264.2, NM_001203265.2 and 4 more transcripts); c.367C>G, p.Leu123Val (NM_001367279.1); c.655C>G, p.Leu219Val (NM_153461.4); short protein forms L123V, L148V, L219V.
Identifiers: ClinVar variation 2170648 (VCV002170648.5), dbSNP rs918655502, ClinGen allele CA70011044.